The following is an entry in ClinVar:

ClinVar aggregate classification (germline): Benign. Review status: criteria provided, multiple submitters, no conflicts (2 of 4 stars). 6 submissions from 6 submitters: Benign (4). 2 of the submissions do not count toward it. Last evaluated 2026-02-03.

Conditions:
Long QT syndrome 12 (LQT12). Identifiers: Orphanet 101016, Orphanet 768, MedGen C2751830, MONDO:0013062, OMIM 612955.
Long QT syndrome (LQTS). Identifiers: MedGen C0023976, MeSH D008133, MONDO:0002442. Disease mechanism: loss of function. Inheritance: Various modes of inheritance.

Allele frequency attached by ClinVar (database versions not stated): gnomAD 0.00063 and 0.00094; gnomAD exomes 0.00087 and 0.00225; TOPMed 0.00127; ExAC 0.00226; 1000 Genomes Project 30x 0.00453; 1000 Genomes Project 0.00479.

Submissions (6):

Labcorp Genetics (formerly Invitae), Labcorp
Classification: Benign for Long QT syndrome. Last evaluated: 2026-02-03. Review status: criteria provided, single submitter. Criteria: Invitae Variant Classification Sherloc (09022015). Collection method: clinical testing. Allele origin: germline.

Illumina Laboratory Services, Illumina
Classification: Benign for Long QT syndrome 12. Last evaluated: 2018-01-13. Review status: criteria provided, single submitter. Criteria: ICSL Variant Classification Criteria 13 December 2019. Collection method: clinical testing. Allele origin: germline.
Comment: This variant was observed in the ICSL laboratory as part of a predisposition screen in an ostensibly healthy population. It had not been previously curated by ICSL or reported in the Human Gene Mutation Database (HGMD: prior to June 1st, 2018), and was therefore a candidate for classification through an automated scoring system. Utilizing variant allele frequency, disease prevalence and penetrance estimates, and inheritance mode, an automated score was calculated to assess if this variant is too frequent to cause the disease. Based on the score and internal cut-off values, a variant classified as benign is not then subjected to further curation. The score for this variant resulted in a classification of benign for this disease.

Women's Health and Genetics/Laboratory Corporation of America, LabCorp
Classification: Benign. Last evaluated: 2016-12-05. Review status: criteria provided, single submitter. Criteria: LabCorp Variant Classification Summary - May 2015. Collection method: clinical testing. Allele origin: germline.
Comment: Variant summary: The SNTA1 c.497-7C>T variant involves the alteration of a non-conserved intronic nucleotide, which 5/5 splice prediction tools predict no significant impact on normal splicing and alterations to ESE binding, although these predictions have yet to be functionally assessed. The variant of interest was found in the large, broad control population, ExAC, with an allele frequency of 272/120594 (1/443, 5 homozygotes), predominantly in the East Asian cohort, 270/8622 (1/31, 5 homozygotes), which significantly exceeds the estimated maximal expected allele frequency for a pathogenic SNTA1 variant of 1/100000. Therefore, suggesting the variant is a common polymorphism found in population(s) of East Asian origin. Therefore, the variant of interest has been classified as Benign.

GeneDx
Classification: Benign. Last evaluated: 2015-03-03. Review status: criteria provided, single submitter. Criteria: GeneDx Variant Classification Process June 2021. Collection method: clinical testing. Allele origin: germline. Affected: yes.

Clinical Genetics, Academic Medical Center
Classification: Benign. Review status: no assertion criteria provided. Collection method: clinical testing. Allele origin: germline. Affected: yes. Study: VKGL Data-share Consensus. Not counted in ClinVar's aggregate classification.

Joint Genome Diagnostic Labs from Nijmegen and Maastricht, Radboudumc and MUMC+
Classification: Benign. Review status: no assertion criteria provided. Collection method: clinical testing. Allele origin: germline. Affected: yes. Study: VKGL Data-share Consensus. Not counted in ClinVar's aggregate classification.

NM_003098.3(SNTA1):c.497-7C>T

Gene: SNTA1 (syntrophin alpha 1; minus strand). Cytogenetic location: 20q11.21.
Variant type: single nucleotide variant.
Coding change: c.497-7C>T on transcript NM_003098.3 (MANE Select); 7 bases into the intron before coding-DNA position 497, C replaced by T.
Molecular consequence: intron variant.
Genome position (GRCh38, 1-based): chr20:33,417,930, G>A on the plus strand (C>T on the coding strand, the complement: SNTA1 is on the minus strand). VCF-style: chr20-33417930-G-A. GRCh37 (hg19) VCF-style: chr20-32005736-G-A.
Identifiers: ClinVar variation 338219 (VCV000338219.21), dbSNP rs116972153, ClinGen allele CA9817206.